The following is an entry in ClinVar:

ClinVar aggregate classification (germline): Uncertain significance. Review status: criteria provided, multiple submitters, no conflicts (2 of 4 stars). 2 submissions from 2 submitters: Uncertain significance (2). Last evaluated 2025-02-20.

Conditions:
Hypertrophic cardiomyopathy. Also called: HYPERTROPHIC MYOCARDIOPATHY. Identifiers: Orphanet 217569, MedGen C0007194, MeSH D002312, MONDO:0005045, HP:0001639.

Allele frequency attached by ClinVar (database versions not stated): gnomAD 0.00001; gnomAD exomes 0.00001; TOPMed 0.00001.
gnomAD v4.1: 8 of 1,613,736 alleles (0.0005%); highest among the groups gnomAD compares: Non-Finnish European, 0.00068%; no homozygotes.

Submissions (2):

Ambry Genetics
Classification: Uncertain significance. Last evaluated: 2025-02-20. Review status: criteria provided, single submitter. Criteria: Ambry Variant Classification Scheme 2023. Collection method: clinical testing. Allele origin: germline.
Comment: The p.S596F variant (also known as c.1787C>T), located in coding exon 11 of the MYOM1 gene, results from a C to T substitution at nucleotide position 1787. The serine at codon 596 is replaced by phenylalanine, an amino acid with highly dissimilar properties. This amino acid position is conserved. In addition, this alteration is predicted to be deleterious by in silico analysis. Since supporting evidence is limited at this time, the clinical significance of this alteration remains unclear.

Labcorp Genetics (formerly Invitae), Labcorp
Classification: Uncertain significance for Hypertrophic cardiomyopathy. Last evaluated: 2022-06-03. Review status: criteria provided, single submitter. Criteria: Invitae Variant Classification Sherloc (09022015). Collection method: clinical testing. Allele origin: germline.
Comment: This variant has not been reported in the literature in individuals affected with MYOM1-related conditions. This variant is present in population databases (no rsID available, gnomAD 0.002%). This sequence change replaces serine, which is neutral and polar, with phenylalanine, which is neutral and non-polar, at codon 596 of the MYOM1 protein (p.Ser596Phe). Algorithms developed to predict the effect of missense changes on protein structure and function are either unavailable or do not agree on the potential impact of this missense change (SIFT: "Deleterious"; PolyPhen-2: "Probably Damaging"; Align-GVGD: "Class C0"). In summary, the available evidence is currently insufficient to determine the role of this variant in disease. Therefore, it has been classified as a Variant of Uncertain Significance.

NM_003803.4(MYOM1):c.1787C>T (p.Ser596Phe)

Gene: MYOM1 (myomesin 1; minus strand). Cytogenetic location: 18p11.31.
Variant type: single nucleotide variant.
Coding change: c.1787C>T on transcript NM_003803.4 (MANE Select); coding-DNA position 1787, C replaced by T.
Protein change: p.Ser596Phe; replaces serine 596 with phenylalanine.
Molecular consequence: missense variant.
Genome position (GRCh38, 1-based): chr18:3,151,750, G>A on the plus strand (C>T on the coding strand, the complement: MYOM1 is on the minus strand). VCF-style: chr18-3151750-G-A. GRCh37 (hg19) VCF-style: chr18-3151748-G-A.
Other names: c.1787C>T, p.Ser596Phe (NM_019856.2); short protein forms S596F.
Identifiers: ClinVar variation 1780111 (VCV001780111.8), dbSNP rs1248946207, ClinGen allele CA401714107.
Genomic context (GRCh38, chr18:3,151,750, plus strand): 5'-TTACTTTTAAGTCTAGCTTTCTCAGCCGGATCCAGAGCAGCCACGGGCTCGGAAACTCGA[G>A]ATGGGAAACCTATTCCCATTTTATTCACAGCTCGAACTCGGAAGATATAGGAACGACCTT-3'
Protein context (NP_003794.3, residues 586-606): AVNKMGIGFP[Ser596Phe]RVSEPVAALD